The following is an entry in ClinVar:

NM_144999.4(LRRC45):c.657C>T (p.Ala219=)

Gene: LRRC45 (leucine rich repeat containing 45; plus strand). Cytogenetic location: 17q25.3.
Variant type: single nucleotide variant.
Coding change: c.657C>T on transcript NM_144999.4 (MANE Select); coding-DNA position 657, C replaced by T.
Protein change: p.Ala219=; no amino-acid change (alanine 219 retained).
Molecular consequence: synonymous variant.
Genome position (GRCh38, 1-based): chr17:82,025,503, C>T. VCF-style: chr17-82025503-C-T. GRCh37 (hg19) VCF-style: chr17-79983379-C-T.
Identifiers: ClinVar variation 3350458 (VCV003350458.1).

ClinVar aggregate classification (germline): Likely benign (0 of 4 stars; one submission).

Conditions:
LRRC45-related disorder. Also called: LRRC45-related condition.

Submission:

PreventionGenetics, part of Exact Sciences
Classification: Likely benign for LRRC45-related condition. Last evaluated: 2024-07-17. Review status: no assertion criteria provided. Collection method: clinical testing. Allele origin: germline.
Comment: This variant is classified as likely benign based on ACMG/AMP sequence variant interpretation guidelines (Richards et al. 2015 PMID: 25741868, with internal and published modifications).